The following is an entry in ClinVar:

ClinVar aggregate classification (germline): Uncertain significance (1 of 4 stars; one submission).

Submission:

Labcorp Genetics (formerly Invitae), Labcorp
Classification: Uncertain significance. Last evaluated: 2021-10-17. Review status: criteria provided, single submitter. Criteria: Invitae Variant Classification Sherloc (09022015). Collection method: clinical testing. Allele origin: germline.
Comment: In summary, the available evidence is currently insufficient to determine the role of this variant in disease. Therefore, it has been classified as a Variant of Uncertain Significance. Algorithms developed to predict the effect of missense changes on protein structure and function (SIFT, PolyPhen-2, Align-GVGD) all suggest that this variant is likely to be disruptive. This variant has not been reported in the literature in individuals affected with LRP2-related conditions. This variant is not present in population databases (ExAC no frequency). This sequence change replaces tyrosine with serine at codon 4119 of the LRP2 protein (p.Tyr4119Ser). The tyrosine residue is highly conserved and there is a large physicochemical difference between tyrosine and serine.

NM_004525.3(LRP2):c.12356A>C (p.Tyr4119Ser)

Gene: LRP2 (LDL receptor related protein 2; minus strand). Cytogenetic location: 2q31.1.
Variant type: single nucleotide variant.
Coding change: c.12356A>C on transcript NM_004525.3 (MANE Select); coding-DNA position 12356, A replaced by C.
Protein change: p.Tyr4119Ser; replaces tyrosine 4119 with serine.
Molecular consequence: missense variant.
Genome position (GRCh38, 1-based): chr2:169,152,904, T>G on the plus strand (A>C on the coding strand, the complement: LRP2 is on the minus strand). VCF-style: chr2-169152904-T-G. GRCh37 (hg19) VCF-style: chr2-170009414-T-G.
Other names: short protein forms Y4119S.
Identifiers: ClinVar variation 1428864 (VCV001428864.4), dbSNP rs2105356732, ClinGen allele CA349135348.